The following is an entry in ClinVar:

NM_017780.4(CHD7):c.5607+2T>C

Gene: CHD7 (chromodomain helicase DNA binding protein 7; plus strand). Cytogenetic location: 8q12.2.
Variant type: single nucleotide variant.
Coding change: c.5607+2T>C on transcript NM_017780.4 (MANE Select); the canonical splice donor site of the intron after coding-DNA position 5607, T replaced by C.
Molecular consequence: splice donor variant. On other transcripts: intron variant (1).
Genome position (GRCh38, 1-based): chr8:60,851,106, T>C. VCF-style: chr8-60851106-T-C. GRCh37 (hg19) VCF-style: chr8-61763665-T-C.
Other names: c.1717-11123T>C (NM_001316690.1).
Identifiers: ClinVar variation 4293302 (VCV004293302.1).

ClinVar aggregate classification (germline): Likely pathogenic (1 of 4 stars; one submission).

Conditions:
CHARGE syndrome (CHARGE). Also called: Hittner Hirsch Kreh syndrome; CHARGE ASSOCIATION--COLOBOMA, HEART ANOMALY, CHOANAL ATRESIA, RETARDATION, GENITAL AND EAR ANOMALIES; Coloboma, heart anomaly, choanal atresia, retardation, genital and ear anomalies; CHARGE association; Hall-Hittner syndrome. Identifiers: Orphanet 138, MedGen C0265354, MONDO:0008965.

Submission:

3billion
Classification: Likely pathogenic for CHD7-related CHARGE syndrome. Last evaluated: 2024-07-09. Review status: criteria provided, single submitter. Criteria: ACMG Guidelines, 2015. Collection method: clinical testing. Allele origin: germline. Affected: yes.
Comment: The variant is not observed in the gnomAD v4.0.0 dataset. Predicted Consequence/Location: Canonical splice site: predicted to alter splicing and result in a loss or disruption of normal protein function. Multiple pathogenic loss-of-function variants are reported downstream of the variant. In silico tools predict the variant to alter splicing and produce an abnormal transcript [SpliceAI: 0.96 (spliceogenicity >=0.2, non-spliceogenicity <0.1)]. Therefore, this variant is classified as Likely pathogenic according to the recommendation of ACMG/AMP guideline.